The following is an entry in ClinVar:

NM_000493.4(COL10A1):c.1663A>C (p.Thr555Pro)

Genes: COL10A1 (collagen type X alpha 1 chain; minus strand), NT5DC1 (5'-nucleotidase domain containing 1; plus strand). Cytogenetic location: 6q22.1.
Variant type: single nucleotide variant.
Coding change: c.1663A>C on transcript NM_000493.4 (MANE Select); coding-DNA position 1663, A replaced by C.
Protein change: p.Thr555Pro; replaces threonine 555 with proline.
Molecular consequence: missense variant. On other transcripts: intron variant (1).
Genome position (GRCh38, 1-based): chr6:116,120,453, T>G on the plus strand (A>C on the coding strand, the complement: COL10A1 is on the minus strand). VCF-style: chr6-116120453-T-G. GRCh37 (hg19) VCF-style: chr6-116441616-T-G.
Other names: c.1663A>C, p.Thr555Pro (NM_001424106.1, NM_001424107.1); c.529+2508T>G (NM_152729.3); short protein forms T555P.
Identifiers: ClinVar variation 1405304 (VCV001405304.8), dbSNP rs2114279659, ClinGen allele CA365387317.
Genomic context (GRCh38, chr6:116,120,453, plus strand): 5'-AAATTTTATCAAATGGTATGGGAGTTCCTATTGCTGGGTAAGCTTTGGAGAGAATAACAG[T>G]AAAAGCAGACACAGGCATTCCTGTTACCCCCTGGTTGGCACTAACAAGAGGGGTCCCAGA-3'
Protein context (NP_000484.2, residues 545-565): GVTGMPVSAF[Thr555Pro]VILSKAYPAI

ClinVar aggregate classification (germline): Uncertain significance (1 of 4 stars; one submission).

Submission:

Labcorp Genetics (formerly Invitae), Labcorp
Classification: Uncertain significance. Last evaluated: 2023-08-17. Review status: criteria provided, single submitter. Criteria: Invitae Variant Classification Sherloc (09022015). Collection method: clinical testing. Allele origin: germline.
Comment: In summary, the available evidence is currently insufficient to determine the role of this variant in disease. Therefore, it has been classified as a Variant of Uncertain Significance. Advanced modeling of protein sequence and biophysical properties (such as structural, functional, and spatial information, amino acid conservation, physicochemical variation, residue mobility, and thermodynamic stability) performed at Invitae indicates that this missense variant is not expected to disrupt COL10A1 protein function. ClinVar contains an entry for this variant (Variation ID: 1405304). This missense change has been observed in individual(s) with metaphyseal dysplasia (PMID: 25678758). This variant is not present in population databases (gnomAD no frequency). This sequence change replaces threonine, which is neutral and polar, with proline, which is neutral and non-polar, at codon 555 of the COL10A1 protein (p.Thr555Pro).

Literature cited by the submitters: PubMed 25678758.